The following is an entry in ClinVar:

NM_001277115.2(DNAH11):c.10399G>C (p.Ala3467Pro)

Gene: DNAH11 (dynein axonemal heavy chain 11; plus strand). Cytogenetic location: 7p15.3.
Variant type: single nucleotide variant.
Coding change: c.10399G>C on transcript NM_001277115.2 (MANE Select); coding-DNA position 10399, G replaced by C.
Protein change: p.Ala3467Pro; replaces alanine 3467 with proline.
Molecular consequence: missense variant.
Genome position (GRCh38, 1-based): chr7:21,816,533, G>C. VCF-style: chr7-21816533-G-C. GRCh37 (hg19) VCF-style: chr7-21856151-G-C.
Other names: short protein forms A3467P.
Identifiers: ClinVar variation 1312461 (VCV001312461.2), dbSNP rs2214326, ClinGen allele CA366948276.

ClinVar aggregate classification (germline): Uncertain significance (1 of 4 stars; one submission).

gnomAD v4.1: 2 of 1,611,696 alleles (0.00012%); highest among the groups gnomAD compares: Non-Finnish European, 0.00017%; no homozygotes.

Submission:

GeneDx
Classification: Uncertain significance. Last evaluated: 2020-02-11. Review status: criteria provided, single submitter. Criteria: GeneDx Variant Classification Process June 2021. Collection method: clinical testing. Allele origin: germline. Affected: yes.
Comment: Not observed in large population cohorts (Lek et al., 2016); In silico analysis supports that this missense variant does not alter protein structure/function; Has not been previously published as pathogenic or benign to our knowledge